The following continues an entry in ClinVar:

NM_000053.4(ATP7B):c.3649_3654del (p.Val1217_Leu1218del)

Gene: ATP7B. ClinVar aggregate classification (germline): Pathogenic/Likely pathogenic. Pathogenic (10); Likely pathogenic (4).

Submissions 14 to 15 of 15:

ARUP Laboratories, Molecular Genetics and Genomics, ARUP Laboratories
Classification: Pathogenic for Wilson disease. Last evaluated: 2019-01-11. Review status: criteria provided, single submitter. Criteria: ARUP Molecular Germline Variant Investigation Process. Collection method: clinical testing. Allele origin: germline.
Comment: The ATP7B c.3649_3654delGTTCTG; p.Val1217_Leu1218del variant (rs781266802) also known as 3648del6, is reported in the literature in the compound heterozygous state in multiple individuals affected with Wilson's disease (Ferenci 2005, Folhoffer 2007, Kalinsky 1998, Kemppainen 1997, Loudianos 1998, Petrasek 2007, Thomas 1995, Todorov 2005, Vrabelova 2005, Wright 2009). This variant deletes two amino acid residues leaving the rest of the protein in-frame. This variant is reported in ClinVar (Variation ID: 189015), and is found in the Finnish European population with an allele frequency of 0.014% (3/21,562 alleles) in the Genome Aggregation Database. Based on available information, this variant is considered to be pathogenic. References: Ferenci P et al. Diagnostic value of quantitative hepatic copper determination in patients with Wilson's Disease. Clin Gastroenterol Hepatol. 2005 Aug;3(8):811-8. Folhoffer A et al. Novel mutations of the ATP7B gene among 109 Hungarian patients with Wilson's disease. Eur J Gastroenterol Hepatol. 2007 Feb;19(2):105-11. Kalinsky H et al. Novel ATP7B mutations causing Wilson disease in several Israeli ethnic groups. Hum Mutat. 1998;11(2):145-51. Kemppainen R et al. A homozygous nonsense mutation and a combination of two mutations of the Wilson disease gene in patients with different lysyl oxidase activities in cultured fibroblasts. J Invest Dermatol. 1997 Jan;108(1):35-9. Loudianos G et al. Further delineation of the molecular pathology of Wilson disease in the Mediterranean population. Hum Mutat. 1998;12(2):89-94. Petrasek J et al. Revised King's College score for liver transplantation in adult patients with Wilson's disease. Liver Transpl. 2007 Jan;13(1):55-61. Thomas GR et al. The Wilson disease gene: spectrum of mutations and their consequences. Nat Genet. 1995 Feb;9(2):210-7. Todorov T et al. Spectrum of mutations in the Wilson disease gene (ATP7B) in the Bulgarian population. Clin Genet. 2005 Nov;68(5):474-6. Vrabelova S et al. Mutation analysis of the ATP7B gene and genotype/phenotype correlation in 227 patients with Wilson disease. Mol Genet Metab. 2005 Sep-Oct;86(1-2):277-85. Wright LM et al. Hepatocyte GP73 expression in Wilson disease. J Hepatol. 2009 Sep;51(3):557-64.

Counsyl
Classification: Likely pathogenic for Wilson's disease. Last evaluated: 2014-10-15. Review status: no assertion criteria provided. Collection method: literature only. Allele origin: unknown. Inheritance: Autosomal recessive inheritance. Not counted in ClinVar's aggregate classification.

Literature cited by the submitters: PubMed 7626145 (cited by 4 submitters); PubMed 18371106 (cited by Women's Health and Genetics/Laboratory Corporation of America, LabCorp); PubMed 15967699 (cited by Women's Health and Genetics/Laboratory Corporation of America, LabCorp); PubMed 9482578 (cited by 6 submitters); PubMed 8980283 (cited by 7 submitters); PubMed 17154398 (cited by 6 submitters); PubMed 17272994 (cited by 6 submitters); PubMed 19118915 (cited by 4 submitters); PubMed 16207219 (cited by 4 submitters); PubMed 16234011 (cited by 4 submitters); PubMed 19596473 (cited by 5 submitters); PubMed 20082719 (cited by Color Diagnostics, LLC DBA Color Health and All of Us Research Program, National Institutes of Health); PubMed 22677543 (cited by Color Diagnostics, LLC DBA Color Health and All of Us Research Program, National Institutes of Health); PubMed 25014046 (cited by Color Diagnostics, LLC DBA Color Health and All of Us Research Program, National Institutes of Health); PubMed 31708252 (cited by 4 submitters); PubMed 34400371 (cited by Color Diagnostics, LLC DBA Color Health and All of Us Research Program, National Institutes of Health); PubMed 35245129 (cited by Color Diagnostics, LLC DBA Color Health and All of Us Research Program, National Institutes of Health); PubMed 9671269 (cited by Mayo Clinic Laboratories, Mayo Clinic and Counsyl).